The following is an entry in ClinVar:

NM_000126.4(ETFA):c.934G>A (p.Asp312Asn)

Gene: ETFA (electron transfer flavoprotein subunit alpha; minus strand). Cytogenetic location: 15q24.2.
Variant type: single nucleotide variant.
Coding change: c.934G>A on transcript NM_000126.4 (MANE Select); coding-DNA position 934, G replaced by A.
Protein change: p.Asp312Asn; replaces aspartic acid 312 with asparagine.
Molecular consequence: missense variant.
Genome position (GRCh38, 1-based): chr15:76,225,878, C>T on the plus strand (G>A on the coding strand, the complement: ETFA is on the minus strand). VCF-style: chr15-76225878-C-T. GRCh37 (hg19) VCF-style: chr15-76518219-C-T.
Other names: c.787G>A, p.Asp263Asn (NM_001127716.2); c.934G>A (NM_000126.3); short protein forms D263N, D312N.
Identifiers: ClinVar variation 2157632 (VCV002157632.2), dbSNP rs368757881, ClinGen allele CA7673555.

ClinVar aggregate classification (germline): Uncertain significance. Review status: criteria provided, multiple submitters, no conflicts (2 of 4 stars). 2 submissions from 2 submitters: Uncertain significance (2). Last evaluated 2023-10-20.

Conditions:
Multiple acyl-CoA dehydrogenase deficiency (MADD). Also called: Glutaric aciduria, type 2; ETHYLMALONIC-ADIPICACIDURIA; GA II; Glutaric acidemia type II; GA 2; Glutaric Acidemia type 2. Identifiers: Orphanet 26791, MedGen C0268596, MONDO:0009282, OMIM 231680.
Inborn genetic diseases. Identifiers: MedGen C0950123, MeSH D030342.

Allele frequency attached by ClinVar (database versions not stated): gnomAD 0.00001; TOPMed 0.00003; ExAC 0.00005; gnomAD exomes 0.00006; ESP Exome Variant Server 0.00008.
gnomAD v4.1: 83 of 1,611,372 alleles (0.0052%); highest among the groups gnomAD compares: Non-Finnish European, 0.0066%; no homozygotes.

Submissions (2):

Ambry Genetics
Classification: Uncertain significance for Inborn genetic diseases. Last evaluated: 2023-10-20. Review status: criteria provided, single submitter. Criteria: Ambry Variant Classification Scheme 2023. Collection method: clinical testing. Allele origin: germline.

Labcorp Genetics (formerly Invitae), Labcorp
Classification: Uncertain significance for Multiple acyl-CoA dehydrogenase deficiency. Last evaluated: 2022-04-25. Review status: criteria provided, single submitter. Criteria: Invitae Variant Classification Sherloc (09022015). Collection method: clinical testing. Allele origin: germline.
Comment: This sequence change replaces aspartic acid, which is acidic and polar, with asparagine, which is neutral and polar, at codon 312 of the ETFA protein (p.Asp312Asn). This variant is present in population databases (rs368757881, gnomAD 0.007%). This variant has not been reported in the literature in individuals affected with ETFA-related conditions. Algorithms developed to predict the effect of missense changes on protein structure and function are either unavailable or do not agree on the potential impact of this missense change (SIFT: "Deleterious"; PolyPhen-2: "Probably Damaging"; Align-GVGD: "Class C15"). In summary, the available evidence is currently insufficient to determine the role of this variant in disease. Therefore, it has been classified as a Variant of Uncertain Significance.